The following is an entry in ClinVar:

NM_003470.3(USP7):c.1078+6T>C

Gene: USP7 (ubiquitin specific peptidase 7; minus strand). Cytogenetic location: 16p13.2.
Variant type: single nucleotide variant.
Coding change: c.1078+6T>C on transcript NM_003470.3 (MANE Select); 6 bases into the intron after coding-DNA position 1078, T replaced by C.
Molecular consequence: intron variant.
Genome position (GRCh38, 1-based): chr16:8,915,248, A>G on the plus strand (T>C on the coding strand, the complement: USP7 is on the minus strand). VCF-style: chr16-8915248-A-G. GRCh37 (hg19) VCF-style: chr16-9009105-A-G.
Other names: c.904+6T>C (NM_001321858.2); c.1030+6T>C (NM_001286457.2); c.781+6T>C (NM_001286458.2).
Identifiers: ClinVar variation 2120153 (VCV002120153.1), dbSNP rs374977170, ClinGen allele CA7895515.

ClinVar aggregate classification (germline): Uncertain significance (1 of 4 stars; one submission).

Allele frequency attached by ClinVar (database versions not stated): gnomAD exomes below 0.00001; ExAC 0.00002; gnomAD 0.00002; TOPMed 0.00002; ESP Exome Variant Server 0.00008.
gnomAD v4.1: 11 of 1,595,518 alleles (0.00069%); highest among the groups gnomAD compares: East Asian, 0.011%; no homozygotes.

Submission:

Labcorp Genetics (formerly Invitae), Labcorp
Classification: Uncertain significance. Last evaluated: 2022-05-25. Review status: criteria provided, single submitter. Criteria: Invitae Variant Classification Sherloc (09022015). Collection method: clinical testing. Allele origin: germline.
Comment: This sequence change falls in intron 10 of the USP7 gene. It does not directly change the encoded amino acid sequence of the USP7 protein. It affects a nucleotide within the consensus splice site. This variant is present in population databases (rs374977170, gnomAD 0.02%). This variant has not been reported in the literature in individuals affected with USP7-related conditions. Variants that disrupt the consensus splice site are a relatively common cause of aberrant splicing (PMID: 17576681, 9536098). Algorithms developed to predict the effect of sequence changes on RNA splicing suggest that this variant is not likely to affect RNA splicing. In summary, the available evidence is currently insufficient to determine the role of this variant in disease. Therefore, it has been classified as a Variant of Uncertain Significance.

Literature cited by the submitters: PubMed 17576681; PubMed 9536098.